The following continues an entry in ClinVar:

NM_000257.4(MYH7):c.4817G>A (p.Arg1606His)

ClinVar aggregate classification (germline): Conflicting classifications of pathogenicity. Likely pathogenic (1); Uncertain significance (15).

Submissions 9 to 19 of 19:

Color Diagnostics, LLC DBA Color Health
Classification: Uncertain significance for Cardiomyopathy. Last evaluated: 2024-03-29. Review status: criteria provided, single submitter. Criteria: ACMG Guidelines, 2015. Collection method: clinical testing. Allele origin: germline.
Comment: This missense variant replaces arginine with histidine at codon 1606 of the MYH7 protein. Computational prediction tools indicate that this variant has a deleterious impact on protein structure and function. To our knowledge, functional studies have not been reported for this variant. This variant has been reported in at least nine individuals affected with hypertrophic cardiomyopathy (PMID: 24093860, 25031304, 27247418, 27532257, 28640247, 28771489, 29875424, 30297972, 33495597, 37466024). This variant has been identified in 11/282872 chromosomes in the general population by the Genome Aggregation Database (gnomAD). The available evidence is insufficient to determine the role of this variant in disease conclusively. Therefore, this variant is classified as a Variant of Uncertain Significance.

Illumina Laboratory Services, Illumina
Classification: Uncertain significance for Hypertrophic cardiomyopathy 1. Last evaluated: 2024-02-21. Review status: criteria provided, single submitter. Criteria: ISL SNV Classification Criteria 03 February 2026. Collection method: clinical testing. Allele origin: unknown.
Comment: ACMG criteria applied: PS4_Moderate, PM2_Supporting, PP3_Supporting

Revvity Omics, Revvity
Classification: Uncertain significance. Last evaluated: 2023-08-09. Review status: criteria provided, single submitter. Criteria: ACMG Guidelines, 2015. Collection method: clinical testing. Allele origin: germline.

CHEO Genetics Diagnostic Laboratory, Children's Hospital of Eastern Ontario
Classification: Uncertain significance for Cardiomyopathy. Last evaluated: 2023-03-06. Review status: criteria provided, single submitter. Criteria: ACMG Guidelines, 2015. Collection method: clinical testing. Allele origin: germline.

Ambry Genetics
Classification: Uncertain significance for Cardiovascular phenotype. Last evaluated: 2022-11-04. Review status: criteria provided, single submitter. Criteria: Ambry Variant Classification Scheme 2023. Collection method: clinical testing. Allele origin: germline.

Laboratory for Molecular Medicine, Mass General Brigham Personalized Medicine
Classification: Uncertain significance. Last evaluated: 2019-08-02. Review status: criteria provided, single submitter. Criteria: LMM Criteria. Collection method: clinical testing. Allele origin: germline. Observed: 3 variant alleles.
Comment: The p.Arg1606His variant in MYH7 has been reported in 8 individuals with HCM (Marsiglia 2013, Helms 2014, Bos 2014, Lopes 2015, Walsh 2017, LMM data), one of whom carried a pathogenic variant in MYH7 that was sufficient to cause disease (LMM data). This variant has also been reported in ClinVar (Variation ID 43039) and in 0.007% (9/126718) European chromosomes by gnomAD. Computational prediction tools and conservation analysis suggest that this variant may impact the protein, though this information is not predictive enough to determine pathogenicity. In summary, the clinical significance of the p.Arg1606His variant is uncertain. ACMG/AMP Criteria Applied: PP3

Center for Advanced Laboratory Medicine, UC San Diego Health, University of California San Diego
Classification: Uncertain significance for Arrhythmogenic right ventricular cardiomyopathy. Last evaluated: 2017-02-02. Review status: criteria provided, single submitter. Criteria: ACMG Guidelines, 2015. Collection method: clinical testing. Allele origin: germline. Affected: yes. Observed: 1 variant allele.

Stanford Center for Inherited Cardiovascular Disease, Stanford University
Classification: Uncertain significance. Last evaluated: 2013-04-04. Review status: criteria provided, single submitter. Criteria: ACMG Guidelines, 2015. Collection method: provider interpretation. Allele origin: germline.

Clinical Genetics DNA and cytogenetics Diagnostics Lab, Erasmus MC, Erasmus Medical Center
Classification: Uncertain significance. Review status: no assertion criteria provided. Collection method: clinical testing. Allele origin: germline. Affected: yes. Study: VKGL Data-share Consensus. Not counted in ClinVar's aggregate classification.

Diagnostic Laboratory, Department of Genetics, University Medical Center Groningen
Classification: Uncertain significance. Review status: no assertion criteria provided. Collection method: clinical testing. Allele origin: germline. Affected: yes. Study: VKGL Data-share Consensus. Not counted in ClinVar's aggregate classification.

Laboratory of Genetics and Molecular Cardiology, University of São Paulo
Classification: Likely pathogenic for Hypertrophic cardiomyopathy 1. Review status: flagged submission. Criteria: LGCM Criteria August 2015. Collection method: clinical testing. Allele origin: germline. Inheritance: Autosomal dominant inheritance. Affected: yes. Observed: 1 variant allele. Study: Sarcomeric Human Cardiomyopathy Registry (ShaRe). Not counted in ClinVar's aggregate classification.
ClinVar note: Reason: Outlier claim with insufficient supporting evidence

Literature cited by the submitters: PubMed 24093860 (cited by 7 submitters); PubMed 25031304 (cited by 6 submitters); PubMed 25351510 (cited by 4 submitters); PubMed 27247418 (cited by 5 submitters); PubMed 27532257 (cited by 5 submitters); PubMed 28640247 (cited by Labcorp Genetics (formerly Invitae), Labcorp and Color Diagnostics, LLC DBA Color Health); PubMed 28771489 (cited by 4 submitters); PubMed 29875424 (cited by Labcorp Genetics (formerly Invitae), Labcorp and Color Diagnostics, LLC DBA Color Health); PubMed 24793961 (cited by Department of Molecular Genetics, Istishari Arab Hospital and Laboratory for Molecular Medicine, Mass General Brigham Personalized Medicine); PubMed 34542152 (cited by Women's Health and Genetics/Laboratory Corporation of America, LabCorp); PubMed 34495297 (cited by Women's Health and Genetics/Laboratory Corporation of America, LabCorp); PubMed 30297972 (cited by Color Diagnostics, LLC DBA Color Health); PubMed 33495597 (cited by Color Diagnostics, LLC DBA Color Health); PubMed 37466024 (cited by Color Diagnostics, LLC DBA Color Health); PubMed 23861362 (cited by Laboratory for Molecular Medicine, Mass General Brigham Personalized Medicine).